The following is an entry in ClinVar:

ClinVar aggregate classification (germline): Uncertain significance (1 of 4 stars; one submission).

Allele frequency attached by ClinVar (database versions not stated): gnomAD 0.00001; gnomAD exomes 0.00001.
gnomAD v4.1: 19 of 1,609,716 alleles (0.0012%); highest among the groups gnomAD compares: Admixed American, 0.0034%; no homozygotes.

Submissions (2):

Ambry Genetics
Classification: Uncertain significance. Last evaluated: 2022-07-25. Review status: criteria provided, single submitter. Criteria: Ambry Variant Classification Scheme 2023. Collection method: clinical testing. Allele origin: germline.
Comment: The c.991-3C>T intronic alteration consists of a C to T substitution 3 nucleotides before coding exon 7 in the KIF1BP gene. Based on insufficient or conflicting evidence, the clinical significance of this alteration remains unclear.

Dr. Peter K. Rogan Lab, Western University
No classification provided (evidence only). Condition: Ovarian serous cystadenocarcinoma. Review status: no classification provided. Collection method: in vitro. Allele origin: not applicable. Functional consequence: retained intron. Not counted in ClinVar's aggregate classification.

NM_015634.4(KIFBP):c.991-3C>T

Gene: KIFBP (kinesin family binding protein; plus strand). Cytogenetic location: 10q22.1.
Variant type: single nucleotide variant.
Coding change: c.991-3C>T on transcript NM_015634.4 (MANE Select); 3 bases into the intron before coding-DNA position 991, C replaced by T.
Molecular consequence: intron variant.
Genome position (GRCh38, 1-based): chr10:69,015,538, C>T. VCF-style: chr10-69015538-C-T. GRCh37 (hg19) VCF-style: chr10-70775294-C-T.
Other names: NC_000010.10:g.70775294C>T.
Identifiers: ClinVar variation 3115024 (VCV003115024.2), dbSNP rs1037710551, ClinGen allele CA209208241.